The following is an entry in ClinVar:

ClinVar aggregate classification (germline): Pathogenic (1 of 4 stars; one submission).

Submission:

Athena Diagnostics
Classification: Pathogenic. Last evaluated: 2019-03-30. Review status: criteria provided, single submitter. Criteria: Athena Diagnostics Criteria. Collection method: clinical testing. Allele origin: germline.
Comment: The variant disrupts a canonical splice site, and is therefore predicted to result in the loss of a functional protein. Found in at least one symptomatic patient, and not found in general population data.

NM_001009944.3(PKD1):c.9202-10_9218del

Gene: PKD1 (polycystin 1, transient receptor potential channel interacting; minus strand). Cytogenetic location: 16p13.3.
Variant type: Deletion.
Coding change: c.9202-10_9218del on transcript NM_001009944.3 (MANE Select); 10 bases into the intron before coding-DNA position 9202 through coding-DNA position 9218, 27 bases deleted (GTCCTCACAGGAGCCGACAGCGGATGT).
Molecular consequence: splice acceptor variant.
Genome position (GRCh38, 1-based): chr16:2,102,240-2,102,266, ACATCCGCTGTCGGCTCCTGTGAGGAC deleted on the plus strand (GTCCTCACAGGAGCCGACAGCGGATGT on the coding strand, the reverse complement: PKD1 is on the minus strand); deleting any 27 consecutive bases within chr16:2,102,240-2,102,269 gives the same sequence; the c. name uses the placement nearest the transcript's 3' end. VCF-style (leftmost placement, unchanged base first): chr16-2102239-TACATCCGCTGTCGGCTCCTGTGAGGAC-T. GRCh37 (hg19) VCF-style: chr16-2152240-TACATCCGCTGTCGGCTCCTGTGAGGAC-T.
Other names: c.9202-10_9218del (NM_000296.4).
Identifiers: ClinVar variation 805191 (VCV000805191.1), dbSNP rs1596521250, ClinGen allele CA915948995.